The following is an entry in ClinVar:

ClinVar aggregate classification (germline): Uncertain significance (1 of 4 stars; one submission).

Allele frequency attached by ClinVar (database versions not stated): ExAC 0.00001; gnomAD 0.00001; gnomAD exomes 0.00001; TOPMed 0.00002.
gnomAD v4.1: 19 of 1,572,580 alleles (0.0012%); highest among the groups gnomAD compares: Non-Finnish European, 0.0015%; no homozygotes.

Submission:

Ambry Genetics
Classification: Uncertain significance. Last evaluated: 2024-01-25. Review status: criteria provided, single submitter. Criteria: Ambry Variant Classification Scheme 2023. Collection method: clinical testing. Allele origin: germline.
Comment: The p.A414T variant (also known as c.1240G>A), located in coding exon 8 of the POLQ gene, results from a G to A substitution at nucleotide position 1240. The alanine at codon 414 is replaced by threonine, an amino acid with similar properties. This amino acid position is conserved. In addition, the in silico prediction for this alteration is inconclusive. Since supporting evidence is limited at this time, the clinical significance of this alteration remains unclear.

NM_199420.4(POLQ):c.1240G>A (p.Ala414Thr)

Gene: POLQ (DNA polymerase theta; minus strand). Cytogenetic location: 3q13.33.
Variant type: single nucleotide variant.
Coding change: c.1240G>A on transcript NM_199420.4 (MANE Select); coding-DNA position 1240, G replaced by A.
Protein change: p.Ala414Thr; replaces alanine 414 with threonine.
Molecular consequence: missense variant.
Genome position (GRCh38, 1-based): chr3:121,522,018, C>T on the plus strand (G>A on the coding strand, the complement: POLQ is on the minus strand). VCF-style: chr3-121522018-C-T. GRCh37 (hg19) VCF-style: chr3-121240865-C-T.
Other names: short protein forms A414T.
Identifiers: ClinVar variation 1758274 (VCV001758274.2), dbSNP rs758443447, ClinGen allele CA2563603.